The following is an entry in ClinVar:

NM_012082.4(ZFPM2):c.2650C>T (p.Arg884Cys)

Genes: ZFPM2 (zinc finger protein, FOG family member 2; plus strand), ZFPM2-AS1 (ZFPM2 antisense RNA 1; minus strand), LOC126860469 (BRD4-independent group 4 enhancer GRCh37_chr8:106814445-106815644; plus strand). Cytogenetic location: 8q23.1.
Variant type: single nucleotide variant.
Coding change: c.2650C>T on transcript NM_012082.4 (MANE Select); coding-DNA position 2650, C replaced by T.
Protein change: p.Arg884Cys; replaces arginine 884 with cysteine.
Molecular consequence: missense variant.
Genome position (GRCh38, 1-based): chr8:105,802,732, C>T. VCF-style: chr8-105802732-C-T. GRCh37 (hg19) VCF-style: chr8-106814960-C-T.
Other names: c.2491C>T, p.Arg831Cys (NM_001362836.2); c.2254C>T, p.Arg752Cys (NM_001362837.2); short protein forms R831C, R884C, R752C.
Identifiers: ClinVar variation 953486 (VCV000953486.10), dbSNP rs778808844, ClinGen allele CA4839938.

ClinVar aggregate classification (germline): Uncertain significance (1 of 4 stars; one submission).

Conditions:
46,XY sex reversal 9 (SRXY9). Also called: 46,XY SEX REVERSAL, ZFPM2-RELATED. Identifiers: Orphanet 251510, MedGen C4015129, MONDO:0014480, OMIM 616067.

Allele frequency attached by ClinVar (database versions not stated): ExAC 0.00001; gnomAD 0.00001 and 0.00002; gnomAD exomes 0.00002 and 0.00003; TOPMed 0.00002.

Submission:

Labcorp Genetics (formerly Invitae), Labcorp
Classification: Uncertain significance for 46,XY sex reversal 9. Last evaluated: 2023-07-17. Review status: criteria provided, single submitter. Criteria: Invitae Variant Classification Sherloc (09022015). Collection method: clinical testing. Allele origin: germline.
Comment: This sequence change replaces arginine, which is basic and polar, with cysteine, which is neutral and slightly polar, at codon 884 of the ZFPM2 protein (p.Arg884Cys). In summary, the available evidence is currently insufficient to determine the role of this variant in disease. Therefore, it has been classified as a Variant of Uncertain Significance. An algorithm developed to predict the effect of missense changes on protein structure and function (PolyPhen-2) suggests that this variant is likely to be disruptive. ClinVar contains an entry for this variant (Variation ID: 953486). This variant has not been reported in the literature in individuals affected with ZFPM2-related conditions. This variant is present in population databases (rs778808844, gnomAD 0.01%).